The following is an entry in ClinVar:

NM_000516.7(GNAS):c.473G>A (p.Gly158Glu)

Gene: GNAS (GNAS complex locus; plus strand). Cytogenetic location: 20q13.32.
Variant type: single nucleotide variant.
Coding change: c.473G>A on transcript NM_000516.7 (MANE Select); coding-DNA position 473, G replaced by A.
Protein change: p.Gly158Glu; replaces glycine 158 with glutamic acid.
Molecular consequence: missense variant. On other transcripts: 3 prime UTR variant (2).
Genome position (GRCh38, 1-based): chr20:58,905,423, G>A. VCF-style: chr20-58905423-G-A. GRCh37 (hg19) VCF-style: chr20-57480478-G-A.
Other names: c.476G>A, p.Gly159Glu (NM_001077488.5); c.428G>A, p.Gly143Glu (NM_001077489.4); c.*334G>A (NM_001077490.3); c.296G>A, p.Gly99Glu (NM_001309840.2, NM_001309861.2); c.*379G>A (NM_016592.5); c.2402G>A, p.Gly801Glu (NM_080425.4); c.431G>A, p.Gly144Glu (NM_080426.4); short protein forms G143E, G144E, G801E, G99E, G158E, G159E.
Identifiers: ClinVar variation 932383 (VCV000932383.39), dbSNP rs2090974560, ClinGen allele CA409451159.
Genomic context (GRCh38, chr20:58,905,423, plus strand): 5'-TTTCTTGTGTTCACTTTCAGGAATTCTATGAGCATGCCAAGGCTCTGTGGGAGGATGAAG[G>A]AGTGCGTGCCTGCTACGAACGCTCCAACGAGTACCAGCTGATTGACTGTGCCCAGTAGTA-3'
Protein context (NP_000507.1, residues 148-168): EHAKALWEDE[Gly158Glu]VRACYERSNE

ClinVar aggregate classification (germline): Likely pathogenic (1 of 4 stars; one submission).

Submission:

CeGaT Center for Human Genetics Tuebingen
Classification: Likely pathogenic. Last evaluated: 2025-04-01. Review status: criteria provided, single submitter. Criteria: CeGaT Center For Human Genetics Tuebingen Variant Classification Criteria Version 2. Collection method: clinical testing. Allele origin: germline. Affected: yes. Observed: 2 variant alleles.
Comment: GNAS: PM1, PM2, PM5, PP2